The following is an entry in ClinVar:

NM_007255.3(B4GALT7):c.629A>C (p.His210Pro)

Gene: B4GALT7 (beta-1,4-galactosyltransferase 7; plus strand). Cytogenetic location: 5q35.3.
Variant type: single nucleotide variant.
Coding change: c.629A>C on transcript NM_007255.3 (MANE Select); coding-DNA position 629, A replaced by C.
Protein change: p.His210Pro; replaces histidine 210 with proline.
Molecular consequence: missense variant.
Genome position (GRCh38, 1-based): chr5:177,607,517, A>C. VCF-style: chr5-177607517-A-C. GRCh37 (hg19) VCF-style: chr5-177034518-A-C.
Other names: short protein forms H210P.
Identifiers: ClinVar variation 1516985 (VCV001516985.6), dbSNP rs752722346, ClinGen allele CA362375999.
Genomic context (GRCh38, chr5:177,607,517, plus strand): 5'-TCCACCCTCTCTACCACTACAAGACCTATGTCGGCGGCATCCTGCTGCTCTCCAAGCAGC[A>C]CTACCGGCTGGTGAGGCCCGGACAGCCTGCTCTGCTCAGAGCCGGGAGCTCCCTCCAGGC-3'
Protein context (NP_009186.1, residues 200-220): VGGILLLSKQ[His210Pro]YRLCNGMSNR

ClinVar aggregate classification (germline): Uncertain significance (1 of 4 stars; one submission).

Conditions:
Spondylodysplastic Ehlers-Danlos syndrome. Identifiers: Orphanet 536471, Orphanet 75496, MedGen C5680154, MONDO:0007526.

Submission:

Labcorp Genetics (formerly Invitae), Labcorp
Classification: Uncertain significance for Spondylodysplastic Ehlers-Danlos syndrome. Last evaluated: 2022-07-18. Review status: criteria provided, single submitter. Criteria: Invitae Variant Classification Sherloc (09022015). Collection method: clinical testing. Allele origin: germline.
Comment: In summary, the available evidence is currently insufficient to determine the role of this variant in disease. Therefore, it has been classified as a Variant of Uncertain Significance. Algorithms developed to predict the effect of missense changes on protein structure and function are either unavailable or do not agree on the potential impact of this missense change (SIFT: "Deleterious"; PolyPhen-2: "Probably Damaging"; Align-GVGD: "Class C0"). ClinVar contains an entry for this variant (Variation ID: 1516985). This variant has not been reported in the literature in individuals affected with B4GALT7-related conditions. This variant is not present in population databases (gnomAD no frequency). This sequence change replaces histidine, which is basic and polar, with proline, which is neutral and non-polar, at codon 210 of the B4GALT7 protein (p.His210Pro).